The following is an entry in ClinVar:

NM_000465.4(BARD1):c.1080T>C (p.Pro360=)

Gene: BARD1 (BRCA1 associated RING domain 1; minus strand). Cytogenetic location: 2q35.
Variant type: single nucleotide variant.
Coding change: c.1080T>C on transcript NM_000465.4 (MANE Select); coding-DNA position 1080, T replaced by C.
Protein change: p.Pro360=; no amino-acid change (proline 360 retained).
Molecular consequence: synonymous variant. On other transcripts: non-coding transcript variant (2), intron variant (3).
Genome position (GRCh38, 1-based): chr2:214,780,794, A>G on the plus strand (T>C on the coding strand, the complement: BARD1 is on the minus strand). VCF-style: chr2-214780794-A-G. GRCh37 (hg19) VCF-style: chr2-215645518-A-G.
Other names: c.1080T>C (NM_000465.2); c.1023T>C, p.Pro341= (NM_001282543.2); c.159-28239T>C (NM_001282548.2); c.215+16267T>C (NM_001282545.2); c.364+11503T>C (NM_001282549.2).
Identifiers: ClinVar variation 1121239 (VCV001121239.13), dbSNP rs2106108809, ClinGen allele CA431392286.
Genomic context (GRCh38, chr2:214,780,794, plus strand): 5'-GTTTTTCCTCCCTGATGTACCACCAACTTTACGTTTGCATGAAGGTGGTGAAGAACATTC[A>G]GGCAATGGTATATTTTCTGAGGGCACCGTTTGCTTAACAAAATCTCCACTGGTGCTCAGA-3'
Protein context (NP_000456.2, residues 350-370): QTVPSENIPL[Pro360=]ECSSPPSCKR

ClinVar aggregate classification (germline): Benign/Likely benign. Review status: criteria provided, multiple submitters, no conflicts (2 of 4 stars). 4 submissions from 4 submitters: Benign (1); Likely benign (3). Last evaluated 2025-01-14.

Conditions:
Hereditary breast ovarian cancer syndrome. Also called: Hereditary breast and ovarian cancer syndrome; Breast and ovarian cancer; Hereditary breast and/or ovarian cancer syndrome; BRCA1- and BRCA2-Associated Hereditary Breast and Ovarian Cancer; Hereditary breast and ovarian cancer; Hereditary breast and ovarian cancer syndrome (HBOC). Identifiers: Orphanet 145, MedGen C0677776, MeSH D061325, MONDO:0003582. Disease mechanism: loss of function.
Hereditary cancer-predisposing syndrome. Also called: Neoplastic Syndromes, Hereditary; Hereditary Cancer Syndrome; Hereditary neoplastic syndrome; Tumor predisposition. Identifiers: Orphanet 140162, MedGen C0027672, MeSH D009386, MONDO:0015356.
Familial cancer of breast. Also called: BREAST CANCER, FAMILIAL; Hereditary breast cancer; hereditary breast carcinoma. Identifiers: Orphanet 227535, MedGen C0346153, MONDO:0016419, OMIM 114480. Disease mechanism: loss of function.

Submissions (4):

German Consortium for Hereditary Breast and Ovarian Cancer, University Hospital Cologne
Classification: Likely benign for Hereditary breast ovarian cancer syndrome. Last evaluated: 2025-01-14. Review status: criteria provided, single submitter. Criteria: ACMG Guidelines, 2015. Collection method: curation. Allele origin: germline.
Comment: According to the ACMG SVI adaptation criteria we chose these criteria: PM2 (supporting pathogenic): absent in gnomAD 4, BP4 (supporting benign): SpliceAI no impact on splicing, BP7 (supporting benign): synonymous variant for which splicing prediction algorithms predict no impact to the splice consensus sequence nor the creation of a new splice site AND the nucleotide is not highly conserved.

Myriad Genetics, Inc.
Classification: Benign for Familial cancer of breast. Last evaluated: 2024-07-24. Review status: criteria provided, single submitter. Criteria: Myriad Autosomal Dominant, Autosomal Recessive and X-Linked Classification Criteria (2023). Collection method: clinical testing. Allele origin: unknown.
Comment: This variant is considered benign. This variant is a silent/synonymous amino acid change and it is not expected to impact splicing.

Labcorp Genetics (formerly Invitae), Labcorp
Classification: Likely benign for Familial cancer of breast. Last evaluated: 2023-08-17. Review status: criteria provided, single submitter. Criteria: Invitae Variant Classification Sherloc (09022015). Collection method: clinical testing. Allele origin: germline.

Ambry Genetics
Classification: Likely benign for Hereditary cancer-predisposing syndrome. Last evaluated: 2023-08-09. Review status: criteria provided, single submitter. Criteria: Ambry Variant Classification Scheme 2023. Collection method: clinical testing. Allele origin: germline.